The following is an entry in ClinVar:

NM_000350.3(ABCA4):c.4414C>G (p.Gln1472Glu)

Gene: ABCA4 (ATP binding cassette subfamily A member 4; minus strand). Cytogenetic location: 1p22.1.
Variant type: single nucleotide variant.
Coding change: c.4414C>G on transcript NM_000350.3 (MANE Select); coding-DNA position 4414, C replaced by G.
Protein change: p.Gln1472Glu; replaces glutamine 1472 with glutamic acid.
Molecular consequence: missense variant.
Genome position (GRCh38, 1-based): chr1:94,029,570, G>C on the plus strand (C>G on the coding strand, the complement: ABCA4 is on the minus strand). VCF-style: chr1-94029570-G-C. GRCh37 (hg19) VCF-style: chr1-94495126-G-C.
Other names: c.4192C>G, p.Gln1398Glu (NM_001425324.1); short protein forms Q1472E, Q1398E.
Identifiers: ClinVar variation 2072929 (VCV002072929.4), dbSNP rs2523723325, ClinGen allele CA341285159.

ClinVar aggregate classification (germline): Uncertain significance (1 of 4 stars; one submission).

Allele frequency attached by ClinVar (database versions not stated): gnomAD exomes below 0.00001.
gnomAD v4.1: 1 of 1,614,028 alleles (0.000062%); highest among the groups gnomAD compares: Admixed American, 0.0017%; no homozygotes.

Submission:

Labcorp Genetics (formerly Invitae), Labcorp
Classification: Uncertain significance. Last evaluated: 2022-03-18. Review status: criteria provided, single submitter. Criteria: Invitae Variant Classification Sherloc (09022015). Collection method: clinical testing. Allele origin: germline.
Comment: This sequence change replaces glutamine, which is neutral and polar, with glutamic acid, which is acidic and polar, at codon 1472 of the ABCA4 protein (p.Gln1472Glu). In summary, the available evidence is currently insufficient to determine the role of this variant in disease. Therefore, it has been classified as a Variant of Uncertain Significance. Advanced modeling of protein sequence and biophysical properties (such as structural, functional, and spatial information, amino acid conservation, physicochemical variation, residue mobility, and thermodynamic stability) performed at Invitae indicates that this missense variant is not expected to disrupt ABCA4 protein function. This variant has not been reported in the literature in individuals affected with ABCA4-related conditions. This variant is not present in population databases (gnomAD no frequency).